The following is an entry in ClinVar:

ClinVar aggregate classification (germline): Uncertain significance (1 of 4 stars; one submission).

Conditions:
Progressive familial heart block type IB (PFHB1B). Identifiers: Orphanet 871, MedGen C1970298, MONDO:0011474, OMIM 604559.

Submission:

Labcorp Genetics (formerly Invitae), Labcorp
Classification: Uncertain significance for Progressive familial heart block type IB. Last evaluated: 2024-11-24. Review status: criteria provided, single submitter. Criteria: Invitae Variant Classification Sherloc (09022015). Collection method: clinical testing. Allele origin: germline.
Comment: This sequence change affects a donor splice site in intron 15 of the TRPM4 gene. It is expected to disrupt RNA splicing. Variants that disrupt the donor or acceptor splice site typically lead to a loss of protein function (PMID: 16199547), however the current clinical and genetic evidence is not sufficient to establish whether loss-of-function variants in TRPM4 cause disease. This variant is not present in population databases (gnomAD no frequency). This variant has not been reported in the literature in individuals affected with TRPM4-related conditions. Algorithms developed to predict the effect of sequence changes on RNA splicing suggest that this variant may disrupt the consensus splice site. In summary, the available evidence is currently insufficient to determine the role of this variant in disease. Therefore, it has been classified as a Variant of Uncertain Significance.

Literature cited by the submitters: PubMed 16199547.

NM_017636.4(TRPM4):c.2132+1G>C

Gene: TRPM4 (transient receptor potential cation channel subfamily M member 4; plus strand). Cytogenetic location: 19q13.33.
Variant type: single nucleotide variant.
Coding change: c.2132+1G>C on transcript NM_017636.4 (MANE Select); the canonical splice donor site of the intron after coding-DNA position 2132, G replaced by C.
Molecular consequence: splice donor variant.
Genome position (GRCh38, 1-based): chr19:49,190,321, G>C. VCF-style: chr19-49190321-G-C. GRCh37 (hg19) VCF-style: chr19-49693578-G-C.
Other names: c.2132+1G>C (NM_001195227.2); c.524+1G>C (NM_001321282.2); c.1787+1G>C (NM_001321281.2); c.1610+1G>C (NM_001321283.2); c.1070+1G>C (NM_001321285.2).
Identifiers: ClinVar variation 3725975 (VCV003725975.2).